The following is an entry in ClinVar:

NM_021871.4(FGA):c.434T>A (p.Val145Asp)

Gene: FGA (fibrinogen alpha chain; minus strand). Cytogenetic location: 4q31.3.
Variant type: single nucleotide variant.
Coding change: c.434T>A on transcript NM_021871.4 (MANE Select); coding-DNA position 434, T replaced by A.
Protein change: p.Val145Asp; replaces valine 145 with aspartic acid.
Molecular consequence: missense variant.
Genome position (GRCh38, 1-based): chr4:154,587,588, A>T on the plus strand (T>A on the coding strand, the complement: FGA is on the minus strand). VCF-style: chr4-154587588-A-T. GRCh37 (hg19) VCF-style: chr4-155508740-A-T.
Other names: c.434T>A, p.Val145Asp (NM_000508.5); short protein forms V145D.
Identifiers: ClinVar variation 2506046 (VCV002506046.1), dbSNP rs765688392, ClinGen allele CA358532160.

ClinVar aggregate classification (germline): Uncertain significance (1 of 4 stars; one submission).

Submission:

Women's Health and Genetics/Laboratory Corporation of America, LabCorp
Classification: Uncertain significance. Last evaluated: 2023-05-18. Review status: criteria provided, single submitter. Criteria: LabCorp Variant Classification Summary - May 2015. Collection method: clinical testing. Allele origin: germline.
Comment: Variant summary: FGA c.434T>A (p.Val145Asp) results in a non-conservative amino acid change located in the Fibrinogen, alpha/beta/gamma chain, coiled coil domain (IPR012290) of the encoded protein sequence. Five of five in-silico tools predict a damaging effect of the variant on protein function. The variant was absent in 251256 control chromosomes (gnomAD). c.434T>A has been reported in the literature in individuals affected with Hypofibrinogenemia (Brennan_2017) and Hypodysfibrinogenemia (Mohsenian_2021). These data indicate that the variant may be associated with disease. To our knowledge, no experimental evidence demonstrating an impact on protein function has been reported. The following publications have been ascertained in the context of this evaluation (PMID: 28816342, 34275736). No clinical diagnostic laboratories have submitted clinical-significance assessments for this variant to ClinVar after 2014. Based on the evidence outlined above, the variant was classified as VUS-possibly pathogenic.

Literature cited by the submitters: PubMed 28816342; PubMed 34275736.